The following is an entry in ClinVar:

ClinVar aggregate classification (germline): Uncertain significance (1 of 4 stars; one submission).

gnomAD v4.1: 6 of 1,606,886 alleles (0.00037%); highest among the groups gnomAD compares: Non-Finnish European, 0.00051%; no homozygotes.

Submission:

GeneDx
Classification: Uncertain significance. Last evaluated: 2025-09-24. Review status: criteria provided, single submitter. Criteria: GeneDx Variant Classification Process June 2021. Collection method: clinical testing. Allele origin: germline. Affected: yes.
Comment: Not observed at significant frequency in large population cohorts (gnomAD); In silico analysis supports a deleterious effect on splicing; This variant is associated with the following publications: (PMID: 26969326)

NM_022124.6(CDH23):c.7660+5G>A

Gene: CDH23 (cadherin related 23; plus strand). Cytogenetic location: 10q22.1.
Variant type: single nucleotide variant.
Coding change: c.7660+5G>A on transcript NM_022124.6 (MANE Select); 5 bases into the intron after coding-DNA position 7660, G replaced by A.
Molecular consequence: intron variant.
Genome position (GRCh38, 1-based): chr10:71,803,080, G>A. VCF-style: chr10-71803080-G-A. GRCh37 (hg19) VCF-style: chr10-73562837-G-A.
Other names: c.940+5G>A (NM_001171933.1, NM_001171934.1).
Identifiers: ClinVar variation 4818896 (VCV004818896.1).